The following is an entry in ClinVar:

NM_020708.5(SLC12A5):c.1542G>A (p.Ser514=)

Gene: SLC12A5 (solute carrier family 12 member 5; plus strand). Cytogenetic location: 20q13.12.
Variant type: single nucleotide variant.
Coding change: c.1542G>A on transcript NM_020708.5 (MANE Select); coding-DNA position 1542, G replaced by A.
Protein change: p.Ser514=; no amino-acid change (serine 514 retained).
Molecular consequence: synonymous variant.
Genome position (GRCh38, 1-based): chr20:46,045,113, G>A. VCF-style: chr20-46045113-G-A. GRCh37 (hg19) VCF-style: chr20-44673752-G-A.
Other names: c.1611G>A, p.Ser537= (NM_001134771.2).
Identifiers: ClinVar variation 1086401 (VCV001086401.10), dbSNP rs771067022, ClinGen allele CA9887360.

ClinVar aggregate classification (germline): Likely benign. Review status: criteria provided, multiple submitters, no conflicts (2 of 4 stars). 2 submissions from 2 submitters: Likely benign (2). Last evaluated 2026-07-01.

Conditions:
Developmental and epileptic encephalopathy, 34 (DEE34). Also called: Early infantile epileptic encephalopathy 34; SLC12A5-Related Epilepsy of Infancy with Migrating Focal Seizures. Identifiers: Orphanet 293181, MedGen C4225257, MONDO:0014718, OMIM 616645.

Allele frequency attached by ClinVar (database versions not stated): ExAC 0.00001.
gnomAD v4.1: 13 of 1,601,204 alleles (0.00081%); highest among the groups gnomAD compares: South Asian, 0.0079%; no homozygotes.

Submissions (2):

CeGaT Center for Human Genetics Tuebingen
Classification: Likely benign. Last evaluated: 2026-07-01. Review status: criteria provided, single submitter. Criteria: CeGaT Center For Human Genetics Tuebingen Variant Classification Criteria Version 2. Collection method: clinical testing. Allele origin: germline. Affected: yes. Observed: 1 variant allele.
Comment: SLC12A5: BP4, BP7

Labcorp Genetics (formerly Invitae), Labcorp
Classification: Likely benign for Developmental and epileptic encephalopathy, 34. Last evaluated: 2025-07-14. Review status: criteria provided, single submitter. Criteria: Invitae Variant Classification Sherloc (09022015). Collection method: clinical testing. Allele origin: germline.